The following is an entry in ClinVar:

ClinVar aggregate classification (germline): Uncertain significance (1 of 4 stars; one submission).

Conditions:
Hypertrophic cardiomyopathy. Also called: HYPERTROPHIC MYOCARDIOPATHY. Identifiers: Orphanet 217569, MedGen C0007194, MeSH D002312, MONDO:0005045, HP:0001639.

Submission:

Labcorp Genetics (formerly Invitae), Labcorp
Classification: Uncertain significance for Hypertrophic cardiomyopathy. Last evaluated: 2024-06-21. Review status: criteria provided, single submitter. Criteria: Invitae Variant Classification Sherloc (09022015). Collection method: clinical testing. Allele origin: germline.
Comment: This sequence change affects a donor splice site in intron 2 of the MYOM1 gene. It is expected to disrupt RNA splicing. Variants that disrupt the donor or acceptor splice site typically lead to a loss of protein function (PMID: 16199547), however the current clinical and genetic evidence is not sufficient to establish whether loss-of-function variants in MYOM1 cause disease. This variant is present in population databases (rs774510887, gnomAD 0.007%). This variant has not been reported in the literature in individuals affected with MYOM1-related conditions. Algorithms developed to predict the effect of sequence changes on RNA splicing suggest that this variant may disrupt the consensus splice site. In summary, the available evidence is currently insufficient to determine the role of this variant in disease. Therefore, it has been classified as a Variant of Uncertain Significance.

Literature cited by the submitters: PubMed 16199547.

NM_003803.4(MYOM1):c.290+1G>A

Gene: MYOM1 (myomesin 1; minus strand). Cytogenetic location: 18p11.31.
Variant type: single nucleotide variant.
Coding change: c.290+1G>A on transcript NM_003803.4 (MANE Select); the canonical splice donor site of the intron after coding-DNA position 290, G replaced by A.
Molecular consequence: splice donor variant.
Genome position (GRCh38, 1-based): chr18:3,214,933, C>T on the plus strand (G>A on the coding strand, the complement: MYOM1 is on the minus strand). VCF-style: chr18-3214933-C-T. GRCh37 (hg19) VCF-style: chr18-3214931-C-T.
Other names: c.290+1G>A (NM_019856.2).
Identifiers: ClinVar variation 3705653 (VCV003705653.2).
Genomic context (GRCh38, chr18:3,214,933, plus strand): 5'-GTTACTCAGAGCACACGCCTCTTCCTGAGGTTGGAAGGTTGGAGGAGGGCGTCCGACATA[C>T]CCATGGGAGGAGCCATAATCGTAGGCTGAGGCTGCCTTCCGACTGACTTCAGAGCTCAGG-3'